The following is an entry in ClinVar:

NM_000138.5(FBN1):c.5824T>C (p.Cys1942Arg)

Gene: FBN1 (fibrillin 1; minus strand). Cytogenetic location: 15q21.1.
Variant type: single nucleotide variant.
Coding change: c.5824T>C on transcript NM_000138.5 (MANE Select); coding-DNA position 5824, T replaced by C.
Protein change: p.Cys1942Arg; replaces cysteine 1942 with arginine.
Molecular consequence: missense variant.
Genome position (GRCh38, 1-based): chr15:48,445,469, A>G on the plus strand (T>C on the coding strand, the complement: FBN1 is on the minus strand). VCF-style: chr15-48445469-A-G. GRCh37 (hg19) VCF-style: chr15-48737666-A-G.
Other names: short protein forms C1942R.
Identifiers: ClinVar variation 811411 (VCV000811411.12), dbSNP rs1555395762, ClinGen allele CA392340126.

ClinVar aggregate classification (germline): Pathogenic/Likely pathogenic. Review status: criteria provided, multiple submitters, no conflicts (2 of 4 stars). 3 submissions from 3 submitters: Pathogenic (1); Likely pathogenic (2). Last evaluated 2023-03-10.

Conditions:
Familial thoracic aortic aneurysm and aortic dissection (TAAD). Also called: Thoracic aortic aneurysms and dissections. Identifiers: Orphanet 91387, MedGen C4707243, MONDO:0019625.
Marfan syndrome (MFS). Also called: FBN1-Related Marfan Syndrome; Marfan's syndrome; MARFAN SYNDROME, TYPE I; Marfan syndrome type 1; Marfan syndrome, classic. Identifiers: Orphanet 284963, Orphanet 558, MedGen C0024796, MONDO:0007947, OMIM 154700.
Marfan Syndrome/Loeys-Dietz Syndrome/Familial Thoracic Aortic Aneurysms and Dissections. Identifiers: MedGen CN229799.

Submissions (3):

Labcorp Genetics (formerly Invitae), Labcorp
Classification: Pathogenic for Marfan syndrome; Familial thoracic aortic aneurysm and aortic dissection. Last evaluated: 2023-03-10. Review status: criteria provided, single submitter. Criteria: Invitae Variant Classification Sherloc (09022015). Collection method: clinical testing. Allele origin: germline.
Comment: This variant affects a cysteine residue in the EGF-like, TGFBP or hybrid motif domains of FBN1. Cysteine residues are believed to be involved in intramolecular disulfide bridges and have been shown to be important for FBN1 protein structure (PMID: 16905551, 19349279). In addition, missense substitutions affecting cysteine residues within these domains are significantly overrepresented among patients with Marfan syndrome (PMID: 16571647, 17701892). This variant disrupts the p.Cys1942 amino acid residue in FBN1. Other variant(s) that disrupt this residue have been observed in individuals with FBN1-related conditions (PMID: 31830381; Invitae), which suggests that this may be a clinically significant amino acid residue. For these reasons, this variant has been classified as Pathogenic. Advanced modeling of protein sequence and biophysical properties (such as structural, functional, and spatial information, amino acid conservation, physicochemical variation, residue mobility, and thermodynamic stability) performed at Invitae indicates that this missense variant is expected to disrupt FBN1 protein function. This sequence change replaces cysteine, which is neutral and slightly polar, with arginine, which is basic and polar, at codon 1942 of the FBN1 protein (p.Cys1942Arg). This variant is not present in population databases (gnomAD no frequency). This missense change has been observed in individual(s) with Marfan syndrome (PMID: 31830381). ClinVar contains an entry for this variant (Variation ID: 811411).

Women's Health and Genetics/Laboratory Corporation of America, LabCorp
Classification: Likely pathogenic for Marfan Syndrome/Loeys-Dietz Syndrome/Familial Thoracic Aortic Aneurysms and Dissections. Last evaluated: 2022-04-25. Review status: criteria provided, single submitter. Criteria: LabCorp Variant Classification Summary - May 2015. Collection method: clinical testing. Allele origin: germline.
Comment: Variant summary: FBN1 c.5824T>C (p.Cys1942Arg) results in a non-conservative amino acid change located in the EGF-like domain (IPR000742) of the encoded protein sequence. Five of five in-silico tools predict a damaging effect of the variant on protein function. In addition, this variant occurs in a cysteine residue in EGF-like domain and the sulfhydryl group of cysteine is unique in its ability to participate in disulfide covalent cross-linkage. In fact, two-thirds of fibrillin cysteine residues exist in the half-cystinyl form, suggesting their participation in intramolecular disulfide linkage (Dietz_1992). Therefore, the substitution of a cysteine may disrupt the structure of the FBN1 protein, affecting its function. The variant was absent in 250846 control chromosomes (gnomAD). c.5824T>C has been reported in the literature in at least one individual affected with Marfan Syndrome (Xu_2019). The data indicate that the variant may be associated with disease. To our knowledge, no experimental evidence demonstrating an impact on protein function has been reported. One ClinVar submitter (evaluation after 2014) cites the variant as likely pathogenic. Based on the evidence outlined above, the variant was classified as likely pathogenic.

ARUP Laboratories, Molecular Genetics and Genomics, ARUP Laboratories
Classification: Likely pathogenic. Last evaluated: 2019-04-25. Review status: criteria provided, single submitter. Criteria: ARUP Molecular Germline Variant Investigation Process. Collection method: clinical testing. Allele origin: germline.
Comment: The FBN1 c.5824T>C; p.Cys1942Arg variant, to our knowledge, is not described in the medical literature or in gene-specific databases. It is also absent from general population databases (Exome Variant Server and Genome Aggregation Database), indicating it is not a common polymorphism. This variant occurs in a cysteine residue in one of the calcium binding EGF-like domains of fibrillin-1 (Wu 1995). Each EGF-like domain contains six highly-conserved cysteines and the disulfide bridges formed between these residues are essential for protein folding; loss of one of these cysteines may interfere with proper disulfide bridge formation, disrupting protein structure. Accordingly, the revised Ghent nosology for Marfan syndrome lists missense variants of cysteine residues as one of the criteria for classification of a variant as pathogenic (Loeys 2010). Based on available information, this variant is considered likely pathogenic. REFERENCES Loeys et al. The revised Ghent nosology for the Marfan syndrome. J. Med. Genet. 2010 47(7): 476-85. Wu et al. Fibrillin domain folding and calcium binding: significance to Marfan syndrome. Chem. Biol. 1995 2(2):91-7.

Literature cited by the submitters: PubMed 16905551 (cited by Labcorp Genetics (formerly Invitae), Labcorp); PubMed 19349279 (cited by Labcorp Genetics (formerly Invitae), Labcorp); PubMed 16571647 (cited by Labcorp Genetics (formerly Invitae), Labcorp); PubMed 17701892 (cited by Labcorp Genetics (formerly Invitae), Labcorp); PubMed 31830381 (cited by Labcorp Genetics (formerly Invitae), Labcorp and Women's Health and Genetics/Laboratory Corporation of America, LabCorp).